The following is an entry in ClinVar:

NM_005378.6(MYCN):c.727C>T (p.Gln243Ter)

Gene: MYCN (MYCN proto-oncogene, bHLH transcription factor; plus strand). Cytogenetic location: 2p24.3.
Variant type: single nucleotide variant.
Coding change: c.727C>T on transcript NM_005378.6 (MANE Select); coding-DNA position 727, C replaced by T.
Protein change: p.Gln243Ter; replaces glutamine 243 with a stop codon.
Molecular consequence: nonsense. On other transcripts: 3 prime UTR variant (1), intron variant (1).
Genome position (GRCh38, 1-based): chr2:15,942,791, C>T. VCF-style: chr2-15942791-C-T. GRCh37 (hg19) VCF-style: chr2-16082913-C-T.
Other names: c.727C>T, p.Gln243Ter (NM_001293228.2); c.*662C>T (NM_001293233.2); c.157+2048C>T (NM_001293231.2); short protein forms Q243*.
Identifiers: ClinVar variation 2627009 (VCV002627009.1), dbSNP rs2527928565, ClinGen allele CA345931453.

ClinVar aggregate classification (germline): Likely pathogenic (1 of 4 stars; one submission).

Conditions:
Feingold syndrome type 1 (FGLDS1). Also called: MICROCEPHALY, MENTAL RETARDATION, AND TRACHEOESOPHAGEAL FISTULA SYNDROME; MICROCEPHALY-OCULO-DIGITO-ESOPHAGEAL-DUODENAL SYNDROME; OCULODIGITOESOPHAGODUODENAL SYNDROME; ODED SYNDROME; MICROCEPHALY AND DIGITAL ABNORMALITIES WITH NORMAL INTELLIGENCE. Identifiers: Orphanet 1305, Orphanet 391641, MedGen C4551774, MONDO:0008115, OMIM 164280.

Submission:

Greenwood Genetic Center Diagnostic Laboratories, Greenwood Genetic Center
Classification: Likely pathogenic for Feingold syndrome type 1. Last evaluated: 2023-07-28. Review status: criteria provided, single submitter. Criteria: ACMG Guidelines, 2015. Collection method: clinical testing. Allele origin: germline. Affected: yes.
Comment: PVS1, PM2